The following is an entry in ClinVar:

NM_000179.3(MSH6):c.3593C>A (p.Ala1198Asp)

Gene: MSH6 (mutS homolog 6; plus strand). Cytogenetic location: 2p16.3.
Variant type: single nucleotide variant.
Coding change: c.3593C>A on transcript NM_000179.3 (MANE Select); coding-DNA position 3593, C replaced by A.
Protein change: p.Ala1198Asp; replaces alanine 1198 with aspartic acid.
Molecular consequence: missense variant. On other transcripts: non-coding transcript variant (5).
Genome position (GRCh38, 1-based): chr2:47,805,654, C>A. VCF-style: chr2-47805654-C-A. GRCh37 (hg19) VCF-style: chr2-48032793-C-A.
Other names: c.3203C>A, p.Ala1068Asp (NM_001281492.2); c.2687C>A, p.Ala896Asp (NM_001281493.2, NM_001281494.2, NM_001406811.1 and 6 more transcripts); c.3689C>A, p.Ala1230Asp (NM_001406795.1, NM_001406802.1); c.3593C>A, p.Ala1198Asp (NM_001406796.1, NM_001406800.1, NM_001406808.1 and 1 more transcripts); c.3296C>A, p.Ala1099Asp (NM_001406797.1, NM_001406801.1, NM_001406805.1 and 10 more transcripts); c.3419C>A, p.Ala1140Asp (NM_001406798.1); c.3068C>A, p.Ala1023Asp (NM_001406799.1, NM_001406806.1, NM_001406807.1); c.2729C>A, p.Ala910Asp (NM_001406803.1); and 7 more; short protein forms A1023D, A1099D, A125D, A1140D, A1172D, A1200D, A147D, A513D.
Identifiers: ClinVar variation 3913762 (VCV003913762.1).

ClinVar aggregate classification (germline): Uncertain significance (1 of 4 stars; one submission).

Conditions:
Hereditary cancer-predisposing syndrome. Also called: Hereditary Cancer Syndrome; Hereditary neoplastic syndrome; Neoplastic Syndromes, Hereditary; Tumor predisposition. Identifiers: Orphanet 140162, MedGen C0027672, MeSH D009386, MONDO:0015356.

Submission:

Ambry Genetics
Classification: Uncertain significance for Hereditary cancer-predisposing syndrome. Last evaluated: 2025-04-09. Review status: criteria provided, single submitter. Criteria: Ambry Variant Classification Scheme 2023. Collection method: clinical testing. Allele origin: germline.
Comment: The p.A1198D variant (also known as c.3593C>A), located in coding exon 7 of the MSH6 gene, results from a C to A substitution at nucleotide position 3593. The alanine at codon 1198 is replaced by aspartic acid, an amino acid with dissimilar properties. Other variant(s) at the same codon, p.A1198P (c.3592G>C), have been identified in individual(s) with features consistent with MSH6-related Lynch syndrome (Ambry internal data). This amino acid position is not well conserved in available vertebrate species. In addition, this alteration is predicted to be deleterious by in silico analysis. Based on the available evidence, the clinical significance of this variant remains unclear.